The following is an entry in ClinVar:

NM_000384.3(APOB):c.3778G>T (p.Glu1260Ter)

Gene: APOB (apolipoprotein B; minus strand). Cytogenetic location: 2p24.1.
Variant type: single nucleotide variant.
Coding change: c.3778G>T on transcript NM_000384.3 (MANE Select); coding-DNA position 3778, G replaced by T.
Protein change: p.Glu1260Ter; replaces glutamic acid 1260 with a stop codon.
Molecular consequence: nonsense.
Genome position (GRCh38, 1-based): chr2:21,014,512, C>A on the plus strand (G>T on the coding strand, the complement: APOB is on the minus strand). VCF-style: chr2-21014512-C-A. GRCh37 (hg19) VCF-style: chr2-21237384-C-A.
Other names: short protein forms E1260*.
Identifiers: ClinVar variation 1458005 (VCV001458005.7), dbSNP rs144892654, ClinGen allele CA43513058.

ClinVar aggregate classification (germline): Pathogenic/Likely pathogenic. Review status: criteria provided, multiple submitters, no conflicts (2 of 4 stars). 2 submissions from 2 submitters: Pathogenic (1); Likely pathogenic (1). Last evaluated 2021-10-01.

Conditions:
Hypobetalipoproteinemia. Identifiers: Orphanet 31154, MedGen C0020597, MONDO:0017774.
Familial hypobetalipoproteinemia 1. Also called: APOB-Related Familial Hypobetalipoproteinemia; Hypobetalipoproteinemia, normotriglyceridemic; Acanthocytosis with hypobetalipoproteinemia. Identifiers: MedGen C4551990, MONDO:0014252, OMIM 615558.
Hypercholesterolemia, autosomal dominant, type B (FHCL2). Also called: Familial Hypercholesterolemia Type B; APOLIPOPROTEIN B-100, FAMILIAL DEFECTIVE; APOLIPOPROTEIN B-100, FAMILIAL LIGAND-DEFECTIVE; HYPERCHOLESTEROLEMIA, FAMILIAL, DUE TO LIGAND-DEFECTIVE APOLIPOPROTEIN B; Familial hypercholesterolemia 2; Hyperlipoproteinemia Type IIb. Identifiers: MedGen C1704417, MONDO:0007751, OMIM 144010.

Allele frequency attached by ClinVar (database versions not stated): TOPMed below 0.00001; ESP Exome Variant Server 0.00008.
gnomAD v4.1: 1 of 1,614,078 alleles (0.000062%); highest among the groups gnomAD compares: Non-Finnish European, 0.000085%; no homozygotes.

Submissions (2):

Labcorp Genetics (formerly Invitae), Labcorp
Classification: Pathogenic for Familial hypobetalipoproteinemia 1; Hypercholesterolemia, autosomal dominant, type B. Last evaluated: 2021-10-01. Review status: criteria provided, single submitter. Criteria: Invitae Variant Classification Sherloc (09022015). Collection method: clinical testing. Allele origin: germline.
Comment: This variant is not present in population databases (ExAC no frequency). For these reasons, this variant has been classified as Pathogenic. This premature translational stop signal has been observed in individual(s) with low low-density lipoprotein cholesterol (PMID: 24507775). This sequence change creates a premature translational stop signal (p.Glu1260*) in the APOB gene. It is expected to result in an absent or disrupted protein product. Loss-of-function variants in APOB are known to be pathogenic (PMID: 20032471).

Laboratory for Molecular Medicine, Mass General Brigham Personalized Medicine
Classification: Likely pathogenic for Hypobetalipoproteinemia. Last evaluated: 2015-08-25. Review status: criteria provided, single submitter. Criteria: ACMG Guidelines, 2015. Collection method: clinical testing. Allele origin: germline. Inheritance: Autosomal dominant inheritance.
Comment: The p.Glu1260X variant in APOB has not been previously reported in individuals with hypobetalipoproteinemia but has been identified in 1/8600 European American chromosomes by the NHLBI Exome Sequencing Project (dbSNP rs144892654). This nonsense variant leads to a premature termination codon at position 1260, which is predicted to lead to a truncated or absent protein. Heterozygous loss of function of the APOB gene is associated with familial hypobetalipoproteinemia (Welty 2014, Burnett 2015). In summary, although additional studies are required to fully establish its clinical significance, the p.Glu1260X variant is likely pathogenic.

Literature cited by the submitters: PubMed 24507775 (cited by Labcorp Genetics (formerly Invitae), Labcorp); PubMed 20032471 (cited by Labcorp Genetics (formerly Invitae), Labcorp); PubMed 25335495 (cited by Laboratory for Molecular Medicine, Mass General Brigham Personalized Medicine); PubMed 24751931 (cited by Laboratory for Molecular Medicine, Mass General Brigham Personalized Medicine).